The following is an entry in ClinVar:

ClinVar aggregate classification (germline): Pathogenic (1 of 4 stars; one submission).

Conditions:
Fanconi anemia (FA). Also called: Fanconi's anemia. Identifiers: Orphanet 84, MedGen C0015625, MeSH D005199, MONDO:0019391.

Submission:

Labcorp Genetics (formerly Invitae), Labcorp
Classification: Pathogenic for Fanconi anemia. Last evaluated: 2021-08-04. Review status: criteria provided, single submitter. Criteria: Invitae Variant Classification Sherloc (09022015). Collection method: clinical testing. Allele origin: germline.
Comment: This variant is a gross deletion of the genomic region encompassing exon(s) 16-20 of the FANCA gene. This deletion is out-of-frame, and is expected to create a premature translational stop signal and result in an absent or disrupted protein product. Loss-of-function variants in FANCA are known to be pathogenic (PMID: 19367192). A similar copy number variant has been observed in individual(s) with Fanconi anemia (PMID: 10521298). For these reasons, this variant has been classified as Pathogenic.

Literature cited by the submitters: PubMed 19367192; PubMed 10521298.

NC_000016.9:g.(?_89845199)_(89849520_?)del

Gene: FANCA (FA complementation group A; minus strand). Cytogenetic location: 16q24.3.
Variant type: Deletion.
Identifiers: ClinVar variation 1073174 (VCV001073174.6).